The following is an entry in ClinVar:

ClinVar aggregate classification (germline): Uncertain significance. Review status: criteria provided, multiple submitters, no conflicts (2 of 4 stars). 3 submissions from 3 submitters: Uncertain significance (2). 1 of the submissions does not count toward it. Last evaluated 2025-08-15.

Conditions:
Polyglandular autoimmune syndrome, type 1 (APS1). Also called: Autoimmune polyendocrinopathy syndrome , type I, with or without reversible metaphyseal dysplasia; PGA I; HYPOADRENOCORTICISM WITH HYPOPARATHYROIDISM AND SUPERFICIAL MONILIASIS; Autoimmune polyendocrine syndrome type 1; Autoimmune polyendocrinopathy syndrome, type I; Whitaker syndrome. Identifiers: Orphanet 3453, MedGen C0085859, MONDO:0009411, OMIM 240300.

Allele frequency attached by ClinVar (database versions not stated): TOPMed 0.00001; gnomAD exomes 0.00002.

Submissions (3):

Labcorp Genetics (formerly Invitae), Labcorp
Classification: Uncertain significance for Polyglandular autoimmune syndrome, type 1. Last evaluated: 2025-08-15. Review status: criteria provided, single submitter. Criteria: Invitae Variant Classification Sherloc (09022015). Collection method: clinical testing. Allele origin: germline.
Comment: This sequence change replaces arginine, which is basic and polar, with cysteine, which is neutral and slightly polar, at codon 538 of the AIRE protein (p.Arg538Cys). This variant is present in population databases (no rsID available, gnomAD 0.009%). This missense change has been observed in individual(s) with autoimmune polyendocrinopathy with candidiasis and ectodermal dysplasia (PMID: 38524621). ClinVar contains an entry for this variant (Variation ID: 971733). Invitae Evidence Modeling of protein sequence and biophysical properties (such as structural, functional, and spatial information, amino acid conservation, physicochemical variation, residue mobility, and thermodynamic stability) indicates that this missense variant is expected to disrupt AIRE protein function with a positive predictive value of 95%. In summary, the available evidence is currently insufficient to determine the role of this variant in disease. Therefore, it has been classified as a Variant of Uncertain Significance.

Blueprint Genetics
Classification: Uncertain significance. Last evaluated: 2021-05-03. Review status: criteria provided, single submitter. Criteria: ACMG Guidelines, 2015. Collection method: clinical testing. Allele origin: germline.

Natera, Inc.
Classification: Uncertain significance for Polyglandular autoimmune syndrome type 1. Last evaluated: 2021-06-10. Review status: no assertion criteria provided. Collection method: clinical testing. Allele origin: germline. Not counted in ClinVar's aggregate classification.

Literature cited by the submitters: PubMed 38524621 (cited by Labcorp Genetics (formerly Invitae), Labcorp).

NM_000383.4(AIRE):c.1612C>T (p.Arg538Cys)

Gene: AIRE (autoimmune regulator; plus strand). Cytogenetic location: 21q22.3.
Variant type: single nucleotide variant.
Coding change: c.1612C>T on transcript NM_000383.4 (MANE Select); coding-DNA position 1612, C replaced by T.
Protein change: p.Arg538Cys; replaces arginine 538 with cysteine.
Molecular consequence: missense variant.
Genome position (GRCh38, 1-based): chr21:44,297,701, C>T. VCF-style: chr21-44297701-C-T. GRCh37 (hg19) VCF-style: chr21-45717584-C-T.
Other names: short protein forms R538C.
Identifiers: ClinVar variation 971733 (VCV000971733.11), dbSNP rs1416029492, ClinGen allele CA410426302.